The following is an entry in ClinVar:

ClinVar aggregate classification (germline): Uncertain significance (1 of 4 stars; one submission).

Conditions:
Charcot-Marie-Tooth disease axonal type 2C (HMSN2C). Also called: CHARCOT-MARIE-TOOTH DISEASE, AXONAL, AUTOSOMAL DOMINANT, TYPE 2C; Charcot-Marie-Tooth Neuropathy Type 2C; Charcot-Marie-Tooth Disease Type 2, TRPV4-Related (CMT2C). Identifiers: Orphanet 99937, MedGen C1853710, MONDO:0011633, OMIM 606071.

Allele frequency attached by ClinVar (database versions not stated): gnomAD 0.00001; TOPMed 0.00002.
gnomAD v4.1: 13 of 1,540,678 alleles (0.00084%); highest among the groups gnomAD compares: South Asian, 0.0048%; no homozygotes.

Submission:

Labcorp Genetics (formerly Invitae), Labcorp
Classification: Uncertain significance for Charcot-Marie-Tooth disease axonal type 2C. Last evaluated: 2025-08-20. Review status: criteria provided, single submitter. Criteria: Invitae Variant Classification Sherloc (09022015). Collection method: clinical testing. Allele origin: germline.
Comment: This sequence change replaces alanine, which is neutral and non-polar, with valine, which is neutral and non-polar, at codon 2 of the TRPV4 protein (p.Ala2Val). The frequency data for this variant in the population databases is considered unreliable, as metrics indicate poor data quality at this position in the gnomAD database. This variant has not been reported in the literature in individuals affected with TRPV4-related conditions. ClinVar contains an entry for this variant (Variation ID: 2063610). Invitae Evidence Modeling of protein sequence and biophysical properties (such as structural, functional, and spatial information, amino acid conservation, physicochemical variation, residue mobility, and thermodynamic stability) indicates that this missense variant is not expected to disrupt TRPV4 protein function with a negative predictive value of 95%. In summary, the available evidence is currently insufficient to determine the role of this variant in disease. Therefore, it has been classified as a Variant of Uncertain Significance.

NM_021625.5(TRPV4):c.5C>T (p.Ala2Val)

Gene: TRPV4 (transient receptor potential cation channel subfamily V member 4; minus strand). Cytogenetic location: 12q24.11.
Variant type: single nucleotide variant.
Coding change: c.5C>T on transcript NM_021625.5 (MANE Select); coding-DNA position 5, C replaced by T.
Protein change: p.Ala2Val; replaces alanine 2 with valine.
Molecular consequence: missense variant.
Genome position (GRCh38, 1-based): chr12:109,814,792, G>A on the plus strand (C>T on the coding strand, the complement: TRPV4 is on the minus strand). VCF-style: chr12-109814792-G-A. GRCh37 (hg19) VCF-style: chr12-110252597-G-A.
Other names: c.5C>T, p.Ala2Val (NM_001177428.2, NM_001177431.2, NM_001177433.2 and 1 more transcripts); short protein forms A2V.
Identifiers: ClinVar variation 2063610 (VCV002063610.3), dbSNP rs925972981, ClinGen allele CA243479214.